The following is an entry in ClinVar:

NM_003803.4(MYOM1):c.1849C>G (p.Pro617Ala)

Gene: MYOM1 (myomesin 1; minus strand). Cytogenetic location: 18p11.31.
Variant type: single nucleotide variant.
Coding change: c.1849C>G on transcript NM_003803.4 (MANE Select); coding-DNA position 1849, C replaced by G.
Protein change: p.Pro617Ala; replaces proline 617 with alanine.
Molecular consequence: missense variant.
Genome position (GRCh38, 1-based): chr18:3,149,196, G>C on the plus strand (C>G on the coding strand, the complement: MYOM1 is on the minus strand). VCF-style: chr18-3149196-G-C. GRCh37 (hg19) VCF-style: chr18-3149194-G-C.
Other names: c.1849C>G, p.Pro617Ala (NM_019856.2); short protein forms P617A.
Identifiers: ClinVar variation 3401885 (VCV003401885.2).
Genomic context (GRCh38, chr18:3,149,196, plus strand): 5'-ACTTCTTACCTGAAGGTTCCTCTTCAGTAACAATGATCTGTCCAGTCCAGGGTGCTGAGG[G>C]GCGACCTGAATAAAGACAAATATAAGAATCACAAACGTTTACAAGTGTGCAATTTATCAG-3'
Protein context (NP_003794.3, residues 607-627): PAEKARLKSR[Pro617Ala]SAPWTGQIIV

ClinVar aggregate classification (germline): Uncertain significance. Review status: criteria provided, multiple submitters, no conflicts (2 of 4 stars). 2 submissions from 2 submitters: Uncertain significance (2). Last evaluated 2025-04-03.

Conditions:
Hypertrophic cardiomyopathy. Also called: HYPERTROPHIC MYOCARDIOPATHY. Identifiers: Orphanet 217569, MedGen C0007194, MeSH D002312, MONDO:0005045, HP:0001639.

gnomAD v4.1: 7 of 1,611,504 alleles (0.00043%); highest among the groups gnomAD compares: East Asian, 0.013%; no homozygotes.

Submissions (2):

Labcorp Genetics (formerly Invitae), Labcorp
Classification: Uncertain significance for Hypertrophic cardiomyopathy. Last evaluated: 2025-04-03. Review status: criteria provided, single submitter. Criteria: Invitae Variant Classification Sherloc (09022015). Collection method: clinical testing. Allele origin: germline.
Comment: This sequence change replaces proline, which is neutral and non-polar, with alanine, which is neutral and non-polar, at codon 617 of the MYOM1 protein (p.Pro617Ala). This variant is present in population databases (rs763859640, gnomAD 0.03%). This variant has not been reported in the literature in individuals affected with MYOM1-related conditions. ClinVar contains an entry for this variant (Variation ID: 3401885). Invitae Evidence Modeling of protein sequence and biophysical properties (such as structural, functional, and spatial information, amino acid conservation, physicochemical variation, residue mobility, and thermodynamic stability) indicates that this missense variant is not expected to disrupt MYOM1 protein function with a negative predictive value of 80%. In summary, the available evidence is currently insufficient to determine the role of this variant in disease. Therefore, it has been classified as a Variant of Uncertain Significance.

Ambry Genetics
Classification: Uncertain significance. Last evaluated: 2024-11-21. Review status: criteria provided, single submitter. Criteria: Ambry Variant Classification Scheme 2023. Collection method: clinical testing. Allele origin: germline.